The following is an entry in ClinVar:

NM_000088.4(COL1A1):c.3191del (p.Gly1064fs)

Gene: COL1A1 (collagen type I alpha 1 chain; minus strand). Cytogenetic location: 17q21.33.
Variant type: Deletion.
Coding change: c.3191del on transcript NM_000088.4 (MANE Select); coding-DNA position 3191, one base deleted (G; older notation c.3191delG).
Protein change: p.Gly1064fs; shifts the reading frame from glycine 1064.
Molecular consequence: frameshift variant.
Genome position (GRCh38, 1-based): chr17:50,188,546, C deleted on the plus strand (G on the coding strand, the reverse complement: COL1A1 is on the minus strand); the first of 2 consecutive C bases (chr17:50,188,546-50,188,547); deleting either gives the same sequence. VCF-style (leftmost placement, unchanged base first): chr17-50188545-AC-A. GRCh37 (hg19) VCF-style: chr17-48265906-AC-A.
Other names: short protein forms G1064fs.
Identifiers: ClinVar variation 2108918 (VCV002108918.4), dbSNP rs2509177024, ClinGen allele CA2580094224.

ClinVar aggregate classification (germline): Pathogenic (1 of 4 stars; one submission).

Conditions:
Osteogenesis imperfecta type I (OI1). Also called: Lobstein disease; OI, TYPE I; OSTEOGENESIS IMPERFECTA TARDA; OSTEOGENESIS IMPERFECTA WITH BLUE SCLERAE; Osteogenesis imperfecta type 1; Classic Non-deforming Osteogenesis Imperfecta with Blue Sclerae. Identifiers: Orphanet 216796, Orphanet 666, MedGen C0023931, MONDO:0008146, OMIM 166200. Disease mechanism: loss of function.

Submission:

Labcorp Genetics (formerly Invitae), Labcorp
Classification: Pathogenic for Osteogenesis imperfecta type I. Last evaluated: 2022-03-11. Review status: criteria provided, single submitter. Criteria: Invitae Variant Classification Sherloc (09022015). Collection method: clinical testing. Allele origin: germline.
Comment: For these reasons, this variant has been classified as Pathogenic. Algorithms developed to predict the effect of sequence changes on RNA splicing suggest that this variant may create or strengthen a splice site. This variant has not been reported in the literature in individuals affected with COL1A1-related conditions. This variant is not present in population databases (gnomAD no frequency). This sequence change creates a premature translational stop signal (p.Gly1064Valfs*44) in the COL1A1 gene. It is expected to result in an absent or disrupted protein product. Loss-of-function variants in COL1A1 are known to be pathogenic (PMID: 7942841, 9295084, 9443882).

Literature cited by the submitters: PubMed 7942841; PubMed 9295084; PubMed 9443882.